The following is an entry in ClinVar:

NM_006767.4(LZTR1):c.2183del (p.Tyr728fs)

Gene: LZTR1 (leucine zipper like post translational regulator 1; plus strand). Cytogenetic location: 22q11.21.
Variant type: Deletion.
Coding change: c.2183del on transcript NM_006767.4 (MANE Select); coding-DNA position 2183, one base deleted (A; older notation c.2183delA).
Protein change: p.Tyr728fs; shifts the reading frame from tyrosine 728.
Molecular consequence: frameshift variant.
Genome position (GRCh38, 1-based): chr22:20,996,076, A deleted. VCF-style (leftmost placement, unchanged base first): chr22-20996075-TA-T. GRCh37 (hg19) VCF-style: chr22-21350364-TA-T.
Other names: short protein forms Y728fs.
Identifiers: ClinVar variation 4731529 (VCV004731529.1).

ClinVar aggregate classification (germline): Pathogenic (1 of 4 stars; one submission).

Submission:

Labcorp Genetics (formerly Invitae), Labcorp
Classification: Pathogenic. Last evaluated: 2025-11-19. Review status: criteria provided, single submitter. Criteria: Invitae Variant Classification Sherloc (09022015). Collection method: clinical testing. Allele origin: germline.
Comment: This sequence change creates a premature translational stop signal (p.Tyr728Serfs*39) in the LZTR1 gene. It is expected to result in an absent or disrupted protein product. Loss-of-function variants in LZTR1 are known to be pathogenic (PMID: 24362817, 25335493, 25480913, 25795793, 29469822, 30368668, 30442762, 30442766, 30481304, 30859559). This variant is not present in population databases (gnomAD no frequency). This variant has not been reported in the literature in individuals affected with LZTR1-related conditions. For these reasons, this variant has been classified as Pathogenic.

Literature cited by the submitters: PubMed 24362817; PubMed 25335493; PubMed 25480913; PubMed 25795793; PubMed 29469822; PubMed 30368668; PubMed 30442762; PubMed 30442766; PubMed 30481304; PubMed 30859559.